The following is an entry in ClinVar:

NM_001164508.2(NEB):c.1227C>T (p.Leu409=)

Gene: NEB (nebulin; minus strand). Cytogenetic location: 2q23.3.
Variant type: single nucleotide variant.
Coding change: c.1227C>T on transcript NM_001164508.2 (MANE Select); coding-DNA position 1227, C replaced by T.
Protein change: p.Leu409=; no amino-acid change (leucine 409 retained).
Molecular consequence: synonymous variant.
Genome position (GRCh38, 1-based): chr2:151,697,574, G>A on the plus strand (C>T on the coding strand, the complement: NEB is on the minus strand). VCF-style: chr2-151697574-G-A. GRCh37 (hg19) VCF-style: chr2-152554088-G-A.
Other names: c.1227C>T, p.Leu409= (NM_001164507.2, NM_001271208.2, NM_004543.5).
Identifiers: ClinVar variation 893364 (VCV000893364.27), dbSNP rs371658494, ClinGen allele CA1911651.

ClinVar aggregate classification (germline): Conflicting classifications of pathogenicity. Review status: criteria provided, conflicting classifications (1 of 4 stars). 3 submissions from 3 submitters: Uncertain significance (1); Likely benign (2). Last evaluated 2024-12-24.

Conditions:
Nemaline myopathy 2 (NEM2). Also called: Nemaline myopathy 2, autosomal recessive. Identifiers: MedGen C1850569, MONDO:0009725, OMIM 256030.

Allele frequency attached by ClinVar (database versions not stated): gnomAD 0.00001; gnomAD exomes 0.00001 and 0.00004; ExAC 0.00002; TOPMed 0.00002; ESP Exome Variant Server 0.00008.

Submissions (3):

Labcorp Genetics (formerly Invitae), Labcorp
Classification: Likely benign for Nemaline myopathy 2. Last evaluated: 2024-12-24. Review status: criteria provided, single submitter. Criteria: Invitae Variant Classification Sherloc (09022015). Collection method: clinical testing. Allele origin: germline.

CeGaT Center for Human Genetics Tuebingen
Classification: Likely benign. Last evaluated: 2024-10-01. Review status: criteria provided, single submitter. Criteria: CeGaT Center For Human Genetics Tuebingen Variant Classification Criteria Version 2. Collection method: clinical testing. Allele origin: germline. Affected: yes. Observed: 1 variant allele.
Comment: NEB: BP4, BP7

Illumina Laboratory Services, Illumina
Classification: Uncertain significance for Nemaline myopathy 2. Last evaluated: 2018-01-13. Review status: criteria provided, single submitter. Criteria: ICSL Variant Classification Criteria 13 December 2019. Collection method: clinical testing. Allele origin: germline.